The following is an entry in ClinVar:

NM_020884.7(MYH7B):c.5676+7G>A

Gene: MYH7B (myosin heavy chain 7B; plus strand). Cytogenetic location: 20q11.22.
Variant type: single nucleotide variant.
Coding change: c.5676+7G>A on transcript NM_020884.7 (MANE Select); 7 bases into the intron after coding-DNA position 5676, G replaced by A.
Molecular consequence: intron variant.
Genome position (GRCh38, 1-based): chr20:35,001,533, G>A. VCF-style: chr20-35001533-G-A. GRCh37 (hg19) VCF-style: chr20-33589336-G-A.
Identifiers: ClinVar variation 2956495 (VCV002956495.3), dbSNP rs2082382270, ClinGen allele CA408720476.

ClinVar aggregate classification (germline): Uncertain significance (1 of 4 stars; one submission).

Allele frequency attached by ClinVar (database versions not stated): gnomAD exomes below 0.00001.
gnomAD v4.1: 4 of 1,598,050 alleles (0.00025%); highest among the groups gnomAD compares: Middle Eastern, 0.017%; no homozygotes.

Submission:

Labcorp Genetics (formerly Invitae), Labcorp
Classification: Uncertain significance. Last evaluated: 2023-05-27. Review status: criteria provided, single submitter. Criteria: Invitae Variant Classification Sherloc (09022015). Collection method: clinical testing. Allele origin: germline.
Comment: In summary, the available evidence is currently insufficient to determine the role of this variant in disease. Therefore, it has been classified as a Variant of Uncertain Significance. Algorithms developed to predict the effect of sequence changes on RNA splicing suggest that this variant may disrupt the consensus splice site. This variant has not been reported in the literature in individuals affected with MYH7B-related conditions. This variant is not present in population databases (gnomAD no frequency). This sequence change falls in intron 43 of the MYH7B gene. It does not directly change the encoded amino acid sequence of the MYH7B protein.